The following is an entry in ClinVar:

ClinVar aggregate classification (germline): Likely pathogenic (1 of 4 stars; one submission).

Submission:

GeneDx
Classification: Likely pathogenic. Last evaluated: 2015-11-16. Review status: criteria provided, single submitter. Criteria: GeneDx Variant Classification (06012015). Collection method: clinical testing. Allele origin: germline. Affected: yes.
Comment: The L908H variant has not been published as a pathogenic variant, nor has it been reported as a benign variant to our knowledge. The variant was not observed in approximately 6,500 individuals of European and African American ancestry in the NHLBI Exome Sequencing Project, indicating it is not a common benign variant in these populations. The L908H variant is a non-conservative amino acid substitution, which is likely to impact secondary protein structure as these residues differ in polarity, charge, size and/or other properties. This substitution occurs at a position within the ligand-binding region that is conserved across species, and in silico analysis predicts this variant is probably damaging to the protein structure/function. The AR gene has a low rate of benign missense variation and missense variants are a common mechanism of disease. Missense variants in nearby residues (V904L/M, P905S/R/H, G910R, V912L) have been reported in the Human Gene Mutation Database in association with androgen insensitivity syndrome (Stenson et al., 2014), supporting the functional importance of this region of the protein. Therefore, this variant is likely pathogenic; however, the possibility that it is benign cannot be excluded

NM_000044.6(AR):c.2723T>A (p.Leu908His)

Gene: AR (androgen receptor; plus strand). Cytogenetic location: Xq12.
Variant type: single nucleotide variant.
Coding change: c.2723T>A on transcript NM_000044.6 (MANE Select); coding-DNA position 2723, T replaced by A.
Protein change: p.Leu908His; replaces leucine 908 with histidine.
Molecular consequence: missense variant.
Genome position (GRCh38, 1-based): chrX:67,723,801, T>A. VCF-style: chrX-67723801-T-A. GRCh37 (hg19) VCF-style: chrX-66943643-T-A.
Other names: c.1127T>A, p.Leu376His (NM_001011645.3); short protein forms L908H, L376H.
Identifiers: ClinVar variation 429930 (VCV000429930.2), dbSNP rs1131691681, ClinGen allele CA413428416.